The following is an entry in ClinVar:

ClinVar aggregate classification (germline): Uncertain significance (1 of 4 stars; one submission).

Conditions:
Atrioventricular septal defect 4 (AVSD4). Identifiers: MedGen C3280781, MONDO:0013747, OMIM 614430.

Submission:

Labcorp Genetics (formerly Invitae), Labcorp
Classification: Uncertain significance for Atrioventricular septal defect 4. Last evaluated: 2021-05-16. Review status: criteria provided, single submitter. Criteria: Invitae Variant Classification Sherloc (09022015). Collection method: clinical testing. Allele origin: germline.
Comment: In summary, the available evidence is currently insufficient to determine the role of this variant in disease. Therefore, it has been classified as a Variant of Uncertain Significance. Algorithms developed to predict the effect of sequence changes on RNA splicing suggest that this variant may create or strengthen a splice site, but this prediction has not been confirmed by published transcriptional studies. Experimental studies and prediction algorithms are not available or were not evaluated, and the functional significance of this variant is currently unknown. This variant has not been reported in the literature in individuals with GATA4-related conditions. The frequency data for this variant in the population databases is considered unreliable, as metrics indicate insufficient coverage at this position in the ExAC database. This sequence change replaces glutamine with lysine at codon 91 of the GATA4 protein (p.Gln91Lys). The glutamine residue is moderately conserved and there is a small physicochemical difference between glutamine and lysine.

NM_001308093.3(GATA4):c.270_271delinsTA (p.Gln91Lys)

Gene: GATA4 (GATA binding protein 4). Cytogenetic location: 8p23.1.
Variant type: Indel.
Coding change: c.270_271delinsTA on transcript NM_001308093.3 (MANE Select); coding-DNA positions 270 to 271, the reference bases replaced by TA.
Protein change: p.Gln91Lys; replaces glutamine 91 with lysine.
Molecular consequence: missense variant. On other transcripts: intron variant (3).
Genome position: GRCh38 VCF-style: chr8-11708582-CC-TA. GRCh37 (hg19) VCF-style: chr8-11566091-CC-TA.
Other names: c.270_271delinsTA, p.Gln91Lys (NM_002052.5); c.-6+7804_-6+7805delinsTA (NM_001308094.2); c.-3+568_-3+569delinsTA (NM_001374274.1); c.-3+4278_-3+4279delinsTA (NM_001374273.1); short protein forms Q91K.
Identifiers: ClinVar variation 1504221 (VCV001504221.6), dbSNP rs2130069025, ClinGen allele CA2573142555.
Genomic context (GRCh38, chr8:11,708,582, plus strand): 5'-CTCCGGTGGGGCCGCGTCTGGTGCGGGGCCCGGGACCCAGCAGGGCAGCCCGGGATGGAG[CC>TA]AGGCGGGAGCCGACGGAGCCGCTTACACCCCGCCGCCGGTGTCGCCGCGCTTCTCCTTCC-3'
Protein context (NP_001295022.1, residues 81-101): GTQQGSPGWS[Gln91Lys]AGADGAAYTP